The following is an entry in ClinVar:

NM_005618.4(DLL1):c.482A>T (p.Gln161Leu)

Gene: DLL1 (delta like canonical Notch ligand 1; minus strand). Cytogenetic location: 6q27.
Variant type: single nucleotide variant.
Coding change: c.482A>T on transcript NM_005618.4 (MANE Select); coding-DNA position 482, A replaced by T.
Protein change: p.Gln161Leu; replaces glutamine 161 with leucine.
Molecular consequence: missense variant.
Genome position (GRCh38, 1-based): chr6:170,288,427, T>A on the plus strand (A>T on the coding strand, the complement: DLL1 is on the minus strand). VCF-style: chr6-170288427-T-A. GRCh37 (hg19) VCF-style: chr6-170597515-T-A.
Other names: short protein forms Q161L.
Identifiers: ClinVar variation 3572851 (VCV003572851.1).

ClinVar aggregate classification (germline): Uncertain significance (1 of 4 stars; one submission).

Submission:

GeneDx
Classification: Uncertain significance. Last evaluated: 2024-07-13. Review status: criteria provided, single submitter. Criteria: GeneDx Variant Classification Process June 2021. Collection method: clinical testing. Allele origin: germline. Affected: yes.
Comment: Not observed at significant frequency in large population cohorts (gnomAD); In silico analysis supports that this missense variant has a deleterious effect on protein structure/function; Has not been previously published as pathogenic or benign to our knowledge